The following is an entry in ClinVar:

ClinVar aggregate classification (germline): Conflicting classifications of pathogenicity. Review status: criteria provided, conflicting classifications (1 of 4 stars). 4 submissions from 4 submitters: Uncertain significance (3); Likely benign (1). Last evaluated 2025-10-20.

Conditions:
Wolfram syndrome 1 (WFS1). Identifiers: Orphanet 3463, MedGen C4551693, MONDO:0009101, OMIM 222300.
Cataract 41 (CTRCT41). Also called: CATARACT 41, CONGENITAL NUCLEAR TYPE. Identifiers: Orphanet 91492, Orphanet 98991, Orphanet 98992, Orphanet 98995, MedGen C3805412, MONDO:0007287, OMIM 116400.
Autosomal dominant nonsyndromic hearing loss 6 (LFSNHL). Also called: Autosomal dominant nonsyndromic deafness 6; DEAFNESS, AUTOSOMAL DOMINANT 6; DEAFNESS, AUTOSOMAL DOMINANT 14; DEAFNESS, AUTOSOMAL DOMINANT 38. Identifiers: Orphanet 90635, MedGen C1833021, MONDO:0010963, OMIM 600965.
Wolfram-like syndrome. Also called: HEARING LOSS, PROGRESSIVE, WITH OPTIC ATROPHY AND/OR IMPAIRED GLUCOSE REGULATION. Identifiers: Orphanet 411590, MedGen C3280358, MONDO:0013673, OMIM 614296.
Type 2 diabetes mellitus. Also called: Type II diabetes mellitus. Identifiers: MedGen C0011860, MeSH D003924, MONDO:0005148, OMIM 125853, HP:0005978.

Allele frequency attached by ClinVar (database versions not stated): gnomAD exomes 0.00005; ESP Exome Variant Server 0.00008; ExAC 0.00012.

Submissions (4):

Labcorp Genetics (formerly Invitae), Labcorp
Classification: Uncertain significance. Last evaluated: 2025-10-20. Review status: criteria provided, single submitter. Criteria: Invitae Variant Classification Sherloc (09022015). Collection method: clinical testing. Allele origin: germline.
Comment: This sequence change replaces proline, which is neutral and non-polar, with leucine, which is neutral and non-polar, at codon 19 of the WFS1 protein (p.Pro19Leu). This variant is present in population databases (rs376335216, gnomAD 0.02%). This variant has not been reported in the literature in individuals affected with WFS1-related conditions. ClinVar contains an entry for this variant (Variation ID: 215372). Invitae Evidence Modeling of protein sequence and biophysical properties (such as structural, functional, and spatial information, amino acid conservation, physicochemical variation, residue mobility, and thermodynamic stability) indicates that this missense variant is not expected to disrupt WFS1 protein function with a negative predictive value of 95%. In summary, the available evidence is currently insufficient to determine the role of this variant in disease. Therefore, it has been classified as a Variant of Uncertain Significance.

GeneDx
Classification: Uncertain significance. Last evaluated: 2024-07-18. Review status: criteria provided, single submitter. Criteria: GeneDx Variant Classification Process June 2021. Collection method: clinical testing. Allele origin: germline. Affected: yes.
Comment: In silico analysis indicates that this missense variant does not alter protein structure/function; Has not been previously published as pathogenic or benign to our knowledge

Fulgent Genetics
Classification: Uncertain significance for Cataract 41; Type 2 diabetes mellitus; Wolfram syndrome 1; Autosomal dominant nonsyndromic hearing loss 6; Wolfram-like syndrome. Last evaluated: 2022-05-24. Review status: criteria provided, single submitter. Criteria: ACMG Guidelines, 2015. Collection method: clinical testing. Allele origin: unknown.

Clinical Genomics, Uppaluri K&H Personalized Medicine Clinic
Classification: Likely benign for Wolfram syndrome 1. Review status: criteria provided, single submitter. Criteria: K & H Uppaluri Personalized Medicine Clinic Variant Classification & Assertion Criteria_Updated V.1. Collection method: research. Allele origin: unknown. Inheritance: Autosomal recessive inheritance.
Comment: Potent mutations in WFS1 gene are associated with Wolfram's syndrome, an autosomal recessive condition, which cause diabetes mellitus, diabetes insipidus, deafness and optic atrophy.However no sufficient evidence is found to ascertain the role of this particular variant rs376335216 in Wolfram's syndrome yet.

Literature cited by the submitters: PubMed 20738327 (cited by Clinical Genomics, Uppaluri K&H Personalized Medicine Clinic); PubMed 33879153 (cited by Clinical Genomics, Uppaluri K&H Personalized Medicine Clinic); PubMed 12955714 (cited by Clinical Genomics, Uppaluri K&H Personalized Medicine Clinic); PubMed 18060660 (cited by Clinical Genomics, Uppaluri K&H Personalized Medicine Clinic); PubMed 20301750 (cited by Clinical Genomics, Uppaluri K&H Personalized Medicine Clinic); PubMed 17603484 (cited by Clinical Genomics, Uppaluri K&H Personalized Medicine Clinic).

NM_006005.3(WFS1):c.56C>T (p.Pro19Leu)

Gene: WFS1 (wolframin ER transmembrane glycoprotein; plus strand). Cytogenetic location: 4p16.1.
Variant type: single nucleotide variant.
Coding change: c.56C>T on transcript NM_006005.3 (MANE Select); coding-DNA position 56, C replaced by T.
Protein change: p.Pro19Leu; replaces proline 19 with leucine.
Molecular consequence: missense variant.
Genome position (GRCh38, 1-based): chr4:6,277,511, C>T. VCF-style: chr4-6277511-C-T. GRCh37 (hg19) VCF-style: chr4-6279238-C-T.
Other names: c.56C>T, p.Pro19Leu (NM_001145853.1); short protein forms P19L.
Identifiers: ClinVar variation 215372 (VCV000215372.11), dbSNP rs376335216, ClinGen allele CA320079.
Genomic context (GRCh38, chr4:6,277,511, plus strand): 5'-GCAGGATGGACTCCAACACTGCTCCGCTGGGCCCCTCCTGCCCACAGCCCCCGCCAGCAC[C>T]GCAGCCCCAGGCGCGTTCCCGACTCAATGCCACAGCCTCGTTGGAGCAGGAGAGGAGCGA-3'
Protein context (NP_005996.2, residues 9-29): GPSCPQPPPA[Pro19Leu]QPQARSRLNA